The following is an entry in ClinVar:

ClinVar aggregate classification (germline): Uncertain significance (1 of 4 stars; one submission).

Submission:

GeneDx
Classification: Uncertain significance. Last evaluated: 2026-03-24. Review status: criteria provided, single submitter. Criteria: GeneDx Variant Classification Process June 2021. Collection method: clinical testing. Allele origin: germline.
Comment: In-frame deletion of 1 amino acid in a non-repeat region; Not observed at significant frequency in large population cohorts (gnomAD); Has not been previously published as pathogenic or benign to our knowledge; In silico analysis supports a deleterious effect on protein structure/function

NM_001395002.1(MAP4K4):c.932AGA[1] (p.Lys312del)

Gene: MAP4K4 (mitogen-activated protein kinase kinase kinase kinase 4; plus strand). Cytogenetic location: 2q11.2.
Variant type: Microsatellite.
Coding change: c.932AGA[1] on transcript NM_001395002.1 (MANE Select); one copy of the 3-base unit AGA starting at c.932; the reference has two copies in a row; one copy, 3 bases deleted.
Protein change: p.Lys312del; deletes lysine 312.
Molecular consequence: inframe deletion. On other transcripts: non-coding transcript variant (4).
Genome position (GRCh38, 1-based): chr2:101,839,980-101,839,982, AGA deleted; deleting any 3 consecutive bases within chr2:101,839,975-101,839,982 gives the same sequence; the position shown is the placement nearest the transcript's 3' end. VCF-style (leftmost placement, unchanged base first): chr2-101839974-GGAA-G. GRCh37 (hg19) VCF-style: chr2-102456436-GGAA-G.
Other names: c.932AGA[1], p.Lys312del (NM_001242559.2, NM_001242560.2, NM_001384476.1 and 28 more transcripts); c.905AGA[1], p.Lys303del (NM_001384549.1, NM_001384550.1, NM_001384551.1 and 16 more transcripts); short protein forms K303del, K312del.
Identifiers: ClinVar variation 5017078 (VCV005017078.1).